The following is an entry in ClinVar:

ClinVar aggregate classification (germline): Pathogenic/Likely pathogenic. Review status: criteria provided, multiple submitters, no conflicts (2 of 4 stars). 5 submissions from 5 submitters: Pathogenic (3); Likely pathogenic (1). 1 of the submissions does not count toward it. Last evaluated 2025-04-14.

Conditions:
Autosomal recessive congenital ichthyosis 1 (LI1). Also called: COLLODION FETUS; DESQUAMATION OF NEWBORN; ICHTHYOSIS, CONGENITAL, AUTOSOMAL RECESSIVE 1, WITH BATHING SUIT DISTRIBUTION; ICHTHYOSIS, CONGENITAL, AUTOSOMAL RECESSIVE 1, WITH OR WITHOUT BATHING SUIT DISTRIBUTION; ICHTHYOSIS CONGENITA; ICHTHYOSIS CONGENITA II. Identifiers: MedGen C4551630, MONDO:0009441, OMIM 242300.

Allele frequency attached by ClinVar (database versions not stated): TOPMed below 0.00001; gnomAD 0.00001.
gnomAD v4.1: 5 of 1,614,042 alleles (0.00031%); highest among the groups gnomAD compares: Non-Finnish European, 0.00042%; no homozygotes.

Submissions (5):

Natera, Inc.
Classification: Pathogenic for Autosomal recessive congenital ichthyosis type 1. Last evaluated: 2025-04-14. Review status: criteria provided, single submitter. Criteria: Natera Variant Classification Schema (03/2026). Collection method: clinical testing. Allele origin: germline.
Comment: The c.579G>A variant in TGM1 is a nonsense variant predicted to introduce a stop codon at amino acid 193. This variant is expected to result in nonsense mediated decay, truncation, or a dysfunctional protein product. This variant is rare in the general population with a frequency below the threshold expected for the associated phenotype(s). This variant has been observed in one or more individuals affected with the associated recessive disease, as either homozygous or compound heterozygous with a second variant (PMID: 31168818). Given the available evidence, this variant is classified as Pathogenic.

Baylor Genetics
Classification: Pathogenic for Autosomal recessive congenital ichthyosis 1. Last evaluated: 2023-10-09. Review status: criteria provided, single submitter. Criteria: ACMG Guidelines, 2015. Collection method: clinical testing. Allele origin: unknown.

Labcorp Genetics (formerly Invitae), Labcorp
Classification: Pathogenic. Last evaluated: 2023-08-11. Review status: criteria provided, single submitter. Criteria: Invitae Variant Classification Sherloc (09022015). Collection method: clinical testing. Allele origin: germline.
Comment: ClinVar contains an entry for this variant (Variation ID: 551893). This premature translational stop signal has been observed in individual(s) with TGM1-related conditions (PMID: 18948357, 19241467, 20021785). This variant is present in population databases (rs199678720, gnomAD 0.003%). This sequence change creates a premature translational stop signal (p.Trp193*) in the TGM1 gene. It is expected to result in an absent or disrupted protein product. Loss-of-function variants in TGM1 are known to be pathogenic (PMID: 18948357, 19241467). For these reasons, this variant has been classified as Pathogenic.

Genome-Nilou Lab
Classification: Likely pathogenic for Autosomal recessive congenital ichthyosis 1. Review status: criteria provided, single submitter. Criteria: ACMG Guidelines, 2015. Collection method: clinical testing. Allele origin: germline.

Counsyl
Classification: Likely pathogenic for Autosomal recessive congenital ichthyosis 1. Last evaluated: 2017-10-09. Review status: no assertion criteria provided. Collection method: clinical testing. Allele origin: unknown. Not counted in ClinVar's aggregate classification.

Literature cited by the submitters: PubMed 31168818 (cited by Natera, Inc.); PubMed 18948357 (cited by Labcorp Genetics (formerly Invitae), Labcorp); PubMed 19241467 (cited by Labcorp Genetics (formerly Invitae), Labcorp and Counsyl); PubMed 20021785 (cited by Labcorp Genetics (formerly Invitae), Labcorp).

NM_000359.3(TGM1):c.579G>A (p.Trp193Ter)

Gene: TGM1 (transglutaminase 1; minus strand). Cytogenetic location: 14q12.
Variant type: single nucleotide variant.
Coding change: c.579G>A on transcript NM_000359.3 (MANE Select); coding-DNA position 579, G replaced by A.
Protein change: p.Trp193Ter; replaces tryptophan 193 with a stop codon.
Molecular consequence: nonsense.
Genome position (GRCh38, 1-based): chr14:24,260,628, C>T on the plus strand (G>A on the coding strand, the complement: TGM1 is on the minus strand). VCF-style: chr14-24260628-C-T. GRCh37 (hg19) VCF-style: chr14-24729834-C-T.
Other names: short protein forms W193*.
Identifiers: ClinVar variation 551893 (VCV000551893.14), dbSNP rs199678720, ClinGen allele CA7131356.